The following is an entry in ClinVar:

ClinVar aggregate classification (germline): Uncertain significance. Review status: criteria provided, multiple submitters, no conflicts (2 of 4 stars). 3 submissions from 3 submitters: Uncertain significance (2). 1 of the submissions does not count toward it. Last evaluated 2025-08-06.

Conditions:
Inborn genetic diseases. Identifiers: MedGen C0950123, MeSH D030342.
Congenital myasthenic syndrome (CMS). Also called: Congenital Myasthenic Syndromes. Identifiers: Orphanet 590, MedGen C0751882, MeSH D020294, MONDO:0018940.
Fetal akinesia deformation sequence 1 (FADS1). Also called: Pena-Shokeir syndrome type I; Fetal akinesia sequence. Identifiers: Orphanet 994, MedGen C1276035, MONDO:0100101, OMIM 208150, HP:0001989.
Congenital myasthenic syndrome 11. Also called: MYASTHENIC SYNDROME, CONGENITAL, Ie; Myasthenic syndrome, congenital, 11, associated with acetylcholine receptor deficiency. Identifiers: Orphanet 590, MedGen C4225367, MONDO:0014588, OMIM 616326.

Allele frequency attached by ClinVar (database versions not stated): gnomAD exomes 0.00001 and 0.00002; gnomAD 0.00003 and 0.00004; TOPMed 0.00003.
gnomAD v4.1: 39 of 1,549,748 alleles (0.0025%); highest among the groups gnomAD compares: African/African-American, 0.0041%; no homozygotes.

Submissions (3):

Ambry Genetics
Classification: Uncertain significance for Inborn genetic diseases. Last evaluated: 2025-08-06. Review status: criteria provided, single submitter. Criteria: Ambry Variant Classification Scheme 2023. Collection method: clinical testing. Allele origin: germline.

Labcorp Genetics (formerly Invitae), Labcorp
Classification: Uncertain significance for Congenital myasthenic syndrome 11; Fetal akinesia deformation sequence 1. Last evaluated: 2022-07-19. Review status: criteria provided, single submitter. Criteria: Invitae Variant Classification Sherloc (09022015). Collection method: clinical testing. Allele origin: germline.
Comment: This sequence change replaces asparagine, which is neutral and polar, with histidine, which is basic and polar, at codon 394 of the RAPSN protein (p.Asn394His). This variant is present in population databases (rs762532220, gnomAD 0.01%). This variant has not been reported in the literature in individuals affected with RAPSN-related conditions. ClinVar contains an entry for this variant (Variation ID: 659635). Algorithms developed to predict the effect of missense changes on protein structure and function output the following: SIFT: "Deleterious"; PolyPhen-2: "Benign"; Align-GVGD: "Class C0". The histidine amino acid residue is found in multiple mammalian species, which suggests that this missense change does not adversely affect protein function. In summary, the available evidence is currently insufficient to determine the role of this variant in disease. Therefore, it has been classified as a Variant of Uncertain Significance.

Natera, Inc.
Classification: Uncertain significance for Congenital myasthenic syndrome. Last evaluated: 2020-09-16. Review status: no assertion criteria provided. Collection method: clinical testing. Allele origin: germline. Not counted in ClinVar's aggregate classification.

NM_005055.5(RAPSN):c.1180A>C (p.Asn394His)

Gene: RAPSN (receptor associated protein of the synapse; minus strand). Cytogenetic location: 11p11.2.
Variant type: single nucleotide variant.
Coding change: c.1180A>C on transcript NM_005055.5 (MANE Select); coding-DNA position 1180, A replaced by C.
Protein change: p.Asn394His; replaces asparagine 394 with histidine.
Molecular consequence: missense variant.
Genome position (GRCh38, 1-based): chr11:47,438,034, T>G on the plus strand (A>C on the coding strand, the complement: RAPSN is on the minus strand). VCF-style: chr11-47438034-T-G. GRCh37 (hg19) VCF-style: chr11-47459585-T-G.
Other names: c.1003A>C, p.Asn335His (NM_032645.5); short protein forms N394H, N335H.
Identifiers: ClinVar variation 659635 (VCV000659635.6), dbSNP rs762532220, ClinGen allele CA221710787.